The following is an entry in ClinVar:

ClinVar aggregate classification (germline): Uncertain significance (1 of 4 stars; one submission).

Allele frequency attached by ClinVar (database versions not stated): gnomAD exomes below 0.00001 and 0.00002; ExAC 0.00001; gnomAD 0.00001; TOPMed 0.00001.
gnomAD v4.1: 35 of 1,613,184 alleles (0.0022%); highest among the groups gnomAD compares: Non-Finnish European, 0.0026%; no homozygotes.

Submission:

GeneDx
Classification: Uncertain significance. Last evaluated: 2020-06-29. Review status: criteria provided, single submitter. Criteria: GeneDx Variant Classification Process June 2021. Collection method: clinical testing. Allele origin: germline. Affected: yes.
Comment: In silico analysis supports that this missense variant does not alter protein structure/function; Has not been previously published as pathogenic or benign to our knowledge

NM_054027.6(ANKH):c.1288G>A (p.Val430Met)

Genes: ANKH (ANKH inorganic pyrophosphate transport regulator; minus strand), OTULIN (OTU deubiquitinase with linear linkage specificity; plus strand), LOC100130744 (uncharacterized LOC100130744; plus strand). Cytogenetic location: 5p15.2.
Variant type: single nucleotide variant.
Coding change: c.1288G>A on transcript NM_054027.6 (MANE Select); coding-DNA position 1288, G replaced by A.
Protein change: p.Val430Met; replaces valine 430 with methionine.
Molecular consequence: missense variant. On other transcripts: non-coding transcript variant (1).
Genome position (GRCh38, 1-based): chr5:14,712,951, C>T on the plus strand (G>A on the coding strand, the complement: ANKH is on the minus strand). VCF-style: chr5-14712951-C-T. GRCh37 (hg19) VCF-style: chr5-14713060-C-T.
Other names: short protein forms V430M.
Identifiers: ClinVar variation 1312843 (VCV001312843.2), dbSNP rs765980271, ClinGen allele CA3208852.